The following is an entry in ClinVar:

ClinVar aggregate classification (germline): Uncertain significance (1 of 4 stars; one submission).

Submission:

GeneDx
Classification: Uncertain significance. Last evaluated: 2025-08-09. Review status: criteria provided, single submitter. Criteria: GeneDx Variant Classification Process June 2021. Collection method: clinical testing. Allele origin: germline. Affected: yes.
Comment: Has not been previously published as pathogenic or benign to our knowledge; Not observed at significant frequency in large population cohorts (gnomAD); In silico analysis supports that this missense variant has a deleterious effect on protein structure/function

NM_006623.4(PHGDH):c.701G>T (p.Cys234Phe)

Gene: PHGDH (phosphoglycerate dehydrogenase; plus strand). Cytogenetic location: 1p12.
Variant type: single nucleotide variant.
Coding change: c.701G>T on transcript NM_006623.4 (MANE Select); coding-DNA position 701, G replaced by T.
Protein change: p.Cys234Phe; replaces cysteine 234 with phenylalanine.
Molecular consequence: missense variant.
Genome position (GRCh38, 1-based): chr1:119,735,352, G>T. VCF-style: chr1-119735352-G-T. GRCh37 (hg19) VCF-style: chr1-120277975-G-T.
Other names: short protein forms C234F.
Identifiers: ClinVar variation 4795637 (VCV004795637.1).